The following is an entry in ClinVar:

NM_014915.3(ANKRD26):c.3439C>T (p.Arg1147Ter)

Gene: ANKRD26 (ankyrin repeat domain 26; minus strand). Cytogenetic location: 10p12.1.
Variant type: single nucleotide variant.
Coding change: c.3439C>T on transcript NM_014915.3 (MANE Select); coding-DNA position 3439, C replaced by T.
Protein change: p.Arg1147Ter; replaces arginine 1147 with a stop codon.
Molecular consequence: nonsense.
Genome position (GRCh38, 1-based): chr10:27,035,011, G>A on the plus strand (C>T on the coding strand, the complement: ANKRD26 is on the minus strand). VCF-style: chr10-27035011-G-A. GRCh37 (hg19) VCF-style: chr10-27323940-G-A.
Other names: c.3436C>T, p.Arg1146Ter (NM_001256053.2); short protein forms R1146*, R1147*.
Identifiers: ClinVar variation 2889725 (VCV002889725.5), dbSNP rs151033255, ClinGen allele CA5448038.

ClinVar aggregate classification (germline): Uncertain significance. Review status: criteria provided, multiple submitters, no conflicts (2 of 4 stars). 3 submissions from 3 submitters: Uncertain significance (3). Last evaluated 2024-09-03.

Conditions:
Thrombocytopenia 2 (THC2). Also called: ANKRD26-Related Thrombocytopenia. Identifiers: Orphanet 268322, MedGen C1861185, MONDO:0008555, OMIM 188000.

Allele frequency attached by ClinVar (database versions not stated): gnomAD 0.00001; gnomAD exomes 0.00001; ExAC 0.00002; TOPMed 0.00002; 1000 Genomes Project 0.00020; 1000 Genomes Project 30x 0.00031.
gnomAD v4.1: 19 of 1,613,888 alleles (0.0012%); highest among the groups gnomAD compares: African/African-American, 0.004%; no homozygotes.

Submissions (3):

GeneDx
Classification: Uncertain significance. Last evaluated: 2024-09-03. Review status: criteria provided, single submitter. Criteria: GeneDx Variant Classification Process June 2021. Collection method: clinical testing. Allele origin: germline. Affected: yes.
Comment: Frameshift variant predicted to result in protein truncation or nonsense mediated decay in a gene for which loss-of-function is not a known mechanism of disease; Not observed at significant frequency in large population cohorts (gnomAD); Has not been previously published as pathogenic or benign to our knowledge; This variant is associated with the following publications: (PMID: 31345219)

St. Jude Molecular Pathology, St. Jude Children's Research Hospital
Classification: Uncertain significance for Thrombocytopenia 2. Last evaluated: 2024-05-01. Review status: criteria provided, single submitter. Criteria: St. Jude Assertion Criteria 2020. Collection method: clinical testing. Allele origin: germline.
Comment: The ANKRD26 c.3439C>T (p.Arg1147Ter) change is a nonsense variant that creates a premature stop codon, however the functional significance of this change is currently unknown. This variant has a maximum subpopulation frequency of 0.002% in gnomAD v2.1.1. To our knowledge, this variant has not been reported in individuals with ANKRD26-related thrombocytopenia. In summary, the evidence currently available is insufficient to determine the clinical significance of this variant. It has therefore been classified as of uncertain significance.

Labcorp Genetics (formerly Invitae), Labcorp
Classification: Uncertain significance. Last evaluated: 2023-11-04. Review status: criteria provided, single submitter. Criteria: Invitae Variant Classification Sherloc (09022015). Collection method: clinical testing. Allele origin: germline.
Comment: This sequence change creates a premature translational stop signal (p.Arg1147*) in the ANKRD26 gene. It is expected to result in an absent or disrupted protein product. However, the current clinical and genetic evidence is not sufficient to establish whether loss-of-function variants in ANKRD26 cause disease. This variant is present in population databases (rs151033255, gnomAD 0.002%). This variant has not been reported in the literature in individuals affected with ANKRD26-related conditions. In summary, the available evidence is currently insufficient to determine the role of this variant in disease. Therefore, it has been classified as a Variant of Uncertain Significance.